The following is an entry in ClinVar:

ClinVar aggregate classification (germline): Uncertain significance (1 of 4 stars; one submission).

Conditions:
Inborn genetic diseases. Identifiers: MedGen C0950123, MeSH D030342.

gnomAD v4.1: 8 of 1,613,958 alleles (0.0005%); highest among the groups gnomAD compares: South Asian, 0.0011%; no homozygotes.

Submission:

Ambry Genetics
Classification: Uncertain significance for Inborn genetic diseases. Last evaluated: 2024-12-08. Review status: criteria provided, single submitter. Criteria: Ambry Variant Classification Scheme 2023. Collection method: clinical testing. Allele origin: germline.
Comment: The p.E359V variant (also known as c.1076A>T), located in coding exon 9 of the CEP57 gene, results from an A to T substitution at nucleotide position 1076. The glutamic acid at codon 359 is replaced by valine, an amino acid with dissimilar properties. This amino acid position is conserved. In addition, this alteration is predicted to be tolerated by in silico analysis. Based on the available evidence, the clinical significance of this variant remains unclear.

NM_014679.5(CEP57):c.1076A>T (p.Glu359Val)

Gene: CEP57 (centrosomal protein 57; plus strand). Cytogenetic location: 11q21.
Variant type: single nucleotide variant.
Coding change: c.1076A>T on transcript NM_014679.5 (MANE Select); coding-DNA position 1076, A replaced by T.
Protein change: p.Glu359Val; replaces glutamic acid 359 with valine.
Molecular consequence: missense variant.
Genome position (GRCh38, 1-based): chr11:95,827,976, A>T. VCF-style: chr11-95827976-A-T. GRCh37 (hg19) VCF-style: chr11-95561140-A-T.
Other names: c.1049A>T, p.Glu350Val (NM_001243776.2); c.998A>T, p.Glu333Val (NM_001243777.2); c.995A>T, p.Glu332Val (NM_001363604.2); short protein forms E333V, E332V, E350V, E359V.
Identifiers: ClinVar variation 3490855 (VCV003490855.1).
Genomic context (GRCh38, chr11:95,827,976, plus strand): 5'-GAGGTGGTAAAAGTAAGAAGTTGTCAGTAACACCTCCCTCCTCCAACGGTATTAATGAGG[A>T]GTTGTCAGAAGTCTTACAGACTTTACAGGATGAATTTGGGCAAATGAGCTTGTGAGTTTT-3'
Protein context (NP_055494.2, residues 349-369): TPPSSNGINE[Glu359Val]LSEVLQTLQD